The following is an entry in ClinVar:

ClinVar aggregate classification (germline): Likely benign. Review status: criteria provided, multiple submitters, no conflicts (2 of 4 stars). 2 submissions from 2 submitters: Likely benign (2). Last evaluated 2025-08-06.

gnomAD v4.1: 970 of 1,613,334 alleles (0.06%); highest among the groups gnomAD compares: African/African-American, 1.2%; 7 homozygotes.

Submissions (2):

Mayo Clinic Laboratories, Mayo Clinic
Classification: Likely benign. Last evaluated: 2025-08-06. Review status: criteria provided, single submitter. Criteria: ACMG Guidelines, 2015. Collection method: clinical testing. Allele origin: germline. Observed: 2 variant alleles.
Comment: BS1

Blueprint Genetics
Classification: Likely benign. Last evaluated: 2024-11-22. Review status: criteria provided, single submitter. Criteria: ACMG Guidelines, 2015. Collection method: clinical testing. Allele origin: germline.

NM_001171.6(ABCC6):c.663-3C>T

Gene: ABCC6 (ATP binding cassette subfamily C member 6; minus strand). Cytogenetic location: 16p13.11.
Variant type: single nucleotide variant.
Coding change: c.663-3C>T on transcript NM_001171.6 (MANE Select); 3 bases into the intron before coding-DNA position 663, C replaced by T.
Molecular consequence: intron variant.
Genome position (GRCh38, 1-based): chr16:16,208,862, G>A on the plus strand (C>T on the coding strand, the complement: ABCC6 is on the minus strand). VCF-style: chr16-16208862-G-A. GRCh37 (hg19) VCF-style: chr16-16302719-G-A.
Other names: p.?; c.663-3C>T (NM_001440310.1, NM_001440309.1); c.321-3C>T (NM_001351800.1).
Identifiers: ClinVar variation 4684078 (VCV004684078.2).